The following is an entry in ClinVar:

NM_000236.3(LIPC):c.410C>A (p.Thr137Asn)

Gene: LIPC (lipase C, hepatic type; plus strand). Cytogenetic location: 15q21.3.
Variant type: single nucleotide variant.
Coding change: c.410C>A on transcript NM_000236.3 (MANE Select); coding-DNA position 410, C replaced by A.
Protein change: p.Thr137Asn; replaces threonine 137 with asparagine.
Molecular consequence: missense variant.
Genome position (GRCh38, 1-based): chr15:58,541,921, C>A. VCF-style: chr15-58541921-C-A. GRCh37 (hg19) VCF-style: chr15-58834120-C-A.
Other names: short protein forms T137N.
Identifiers: ClinVar variation 2721183 (VCV002721183.3), dbSNP rs757450484, ClinGen allele CA7584831.

ClinVar aggregate classification (germline): Uncertain significance (1 of 4 stars; one submission).

Allele frequency attached by ClinVar (database versions not stated): ExAC 0.00004; TOPMed 0.00010; gnomAD 0.00011; 1000 Genomes Project 30x 0.00016.
gnomAD v4.1: 30 of 1,611,906 alleles (0.0019%); highest among the groups gnomAD compares: African/African-American, 0.028%; no homozygotes.

Submission:

Labcorp Genetics (formerly Invitae), Labcorp
Classification: Uncertain significance. Last evaluated: 2024-11-18. Review status: criteria provided, single submitter. Criteria: Invitae Variant Classification Sherloc (09022015). Collection method: clinical testing. Allele origin: germline.
Comment: This sequence change replaces threonine, which is neutral and polar, with asparagine, which is neutral and polar, at codon 137 of the LIPC protein (p.Thr137Asn). This variant is present in population databases (rs757450484, gnomAD 0.03%). This variant has not been reported in the literature in individuals affected with LIPC-related conditions. ClinVar contains an entry for this variant (Variation ID: 2721183). Invitae Evidence Modeling of protein sequence and biophysical properties (such as structural, functional, and spatial information, amino acid conservation, physicochemical variation, residue mobility, and thermodynamic stability) indicates that this missense variant is expected to disrupt LIPC protein function with a positive predictive value of 80%. In summary, the available evidence is currently insufficient to determine the role of this variant in disease. Therefore, it has been classified as a Variant of Uncertain Significance.